The following is an entry in ClinVar:

NM_004329.3(BMPR1A):c.868+4_868+5dup

Gene: BMPR1A (bone morphogenetic protein receptor type 1A; plus strand). Cytogenetic location: 10q23.2.
Variant type: Duplication.
Coding change: c.868+4_868+5dup on transcript NM_004329.3 (MANE Select); bases 4 to 5 of the intron after coding-DNA position 868, 2 bases duplicated (GG; older notation c.868+4_868+5dupGG).
Molecular consequence: intron variant.
Genome position (GRCh38, 1-based): chr10:86,917,330-86,917,331, GG duplicated; duplicating any 2 consecutive bases within chr10:86,917,329-86,917,331 gives the same sequence; the c. name uses the placement nearest the transcript's 3' end. VCF-style (leftmost placement, unchanged base first): chr10-86917328-T-TGG. GRCh37 (hg19) VCF-style: chr10-88677085-T-TGG.
Other names: c.868+4_868+5dup (NM_001406562.1, NM_001406568.1, NM_001406567.1 and 19 more transcripts); c.784+4_784+5dup (NM_001406584.1, NM_001406588.1, NM_001406587.1 and 2 more transcripts); c.916+4_916+5dup (NM_001406560.1); c.943+4_943+5dup (NM_001406559.1); c.862+4_862+5dup (NM_001406583.1); c.526+4_526+5dup (NM_001406589.1).
Identifiers: ClinVar variation 2450279 (VCV002450279.2), dbSNP rs2539605882, ClinGen allele CA2580082110.

ClinVar aggregate classification (germline): Uncertain significance (1 of 4 stars; one submission).

Conditions:
Hereditary cancer-predisposing syndrome. Also called: Neoplastic Syndromes, Hereditary; Tumor predisposition; Hereditary neoplastic syndrome; Hereditary Cancer Syndrome. Identifiers: Orphanet 140162, MedGen C0027672, MeSH D009386, MONDO:0015356.

Submission:

Ambry Genetics
Classification: Uncertain significance for Hereditary cancer-predisposing syndrome. Last evaluated: 2023-02-05. Review status: criteria provided, single submitter. Criteria: Ambry Variant Classification Scheme 2023. Collection method: clinical testing. Allele origin: germline.
Comment: The c.868+4_868+5dupGG intronic variant, results from a duplication of 4 nucleotides at nucleotide position 868 after intron 7 of the BMPR1A gene. These nucleotide positions are generally not well conserved in available vertebrate species. In silico splice site analysis predicts that this alteration will weaken the native splice donor site; however, direct evidence is insufficient at this time (Ambry internal data). Since supporting evidence is limited at this time, the clinical significance of this alteration remains unclear.